The following is an entry in ClinVar:

ClinVar aggregate classification (germline): Uncertain significance. Review status: criteria provided, multiple submitters, no conflicts (2 of 4 stars). 6 submissions from 6 submitters: Uncertain significance (6). Last evaluated 2026-06-25.

Conditions:
NPHP1-related disorder. Also called: NPHP1-related disorders; NPHP1-related condition.
Nephronophthisis. Also called: Juvenile Nephronophthisis. Identifiers: Orphanet 655, MedGen C0687120, MONDO:0019005, HP:0000090.
Inborn genetic diseases. Identifiers: MedGen C0950123, MeSH D030342.
Senior-Loken syndrome 1 (SLSN1). Also called: JUVENILE NEPHRONOPHTHISIS WITH LEBER AMAUROSIS. Identifiers: Orphanet 3156, MedGen C4551559, MONDO:0009962, OMIM 266900.
Joubert syndrome with renal defect. Also called: JOUBERT SYNDROME 4. Identifiers: Orphanet 220497, MedGen C1846790, MONDO:0012308, OMIM 609583.
Nephronophthisis 1 (NPHP1). Also called: Nephronophthisis familial juvenile. Identifiers: Orphanet 655, Orphanet 93592, MedGen C1855681, MONDO:0009728, OMIM 256100.

Allele frequency attached by ClinVar (database versions not stated): gnomAD exomes 0.00001; ExAC 0.00002; gnomAD 0.00006; TOPMed 0.00006.

Submissions (6):

PreventionGenetics, part of Exact Sciences
Classification: Uncertain significance for NPHP1-related condition. Last evaluated: 2026-06-25. Review status: criteria provided, single submitter. Criteria: ACMG Guidelines, 2015. Collection method: clinical testing. Allele origin: germline.
Comment: The NPHP1 c.973G>A variant is predicted to result in the amino acid substitution p.Gly325Arg. To our knowledge, this variant has not been reported in the literature. This variant is reported in 0.024% of alleles in individuals of African descent in gnomAD. At this time, the clinical significance of this variant is uncertain due to the absence of conclusive functional and genetic evidence.

Ambry Genetics
Classification: Uncertain significance for Inborn genetic diseases. Last evaluated: 2025-01-21. Review status: criteria provided, single submitter. Criteria: Ambry Variant Classification Scheme 2023. Collection method: clinical testing. Allele origin: germline.

Fulgent Genetics
Classification: Uncertain significance for Nephronophthisis 1; Senior-Loken syndrome 1; Joubert syndrome with renal defect. Last evaluated: 2024-06-19. Review status: criteria provided, single submitter. Criteria: ACMG Guidelines, 2015. Collection method: clinical testing. Allele origin: germline.

Labcorp Genetics (formerly Invitae), Labcorp
Classification: Uncertain significance for Nephronophthisis. Last evaluated: 2022-03-19. Review status: criteria provided, single submitter. Criteria: Invitae Variant Classification Sherloc (09022015). Collection method: clinical testing. Allele origin: germline.
Comment: This sequence change replaces glycine, which is neutral and non-polar, with arginine, which is basic and polar, at codon 325 of the NPHP1 protein (p.Gly325Arg). This variant is present in population databases (rs768608137, gnomAD 0.02%). This variant has not been reported in the literature in individuals affected with NPHP1-related conditions. ClinVar contains an entry for this variant (Variation ID: 500559). Algorithms developed to predict the effect of missense changes on protein structure and function (SIFT, PolyPhen-2, Align-GVGD) all suggest that this variant is likely to be disruptive. In summary, the available evidence is currently insufficient to determine the role of this variant in disease. Therefore, it has been classified as a Variant of Uncertain Significance.

Blueprint Genetics
Classification: Uncertain significance. Last evaluated: 2020-03-16. Review status: criteria provided, single submitter. Criteria: ACMG Guidelines, 2015. Collection method: clinical testing. Allele origin: germline.

Eurofins Ntd Llc (ga)
Classification: Uncertain significance. Last evaluated: 2017-12-18. Review status: criteria provided, single submitter. Criteria: EGL Classification Definitions 2015. Collection method: clinical testing. Allele origin: germline. Observed: 2 variant alleles, 2 heterozygotes.

NM_001128178.3(NPHP1):c.805G>A (p.Gly269Arg)

Gene: NPHP1 (nephrocystin 1; minus strand). Cytogenetic location: 2q13.
Variant type: single nucleotide variant.
Coding change: c.805G>A on transcript NM_001128178.3 (MANE Select); coding-DNA position 805, G replaced by A.
Protein change: p.Gly269Arg; replaces glycine 269 with arginine.
Molecular consequence: missense variant.
Genome position (GRCh38, 1-based): chr2:110,163,102, C>T on the plus strand (G>A on the coding strand, the complement: NPHP1 is on the minus strand). VCF-style: chr2-110163102-C-T. GRCh37 (hg19) VCF-style: chr2-110920679-C-T.
Other names: c.973G>A, p.Gly325Arg (NM_000272.5); c.616G>A, p.Gly206Arg (NM_001128179.3); c.802G>A, p.Gly268Arg (NM_001374256.1); c.805G>A, p.Gly269Arg (NM_001374257.1); c.970G>A, p.Gly324Arg (NM_207181.4); short protein forms G325R, G269R, G206R, G324R, G268R.
Identifiers: ClinVar variation 500559 (VCV000500559.16), dbSNP rs768608137, ClinGen allele CA1827216.
Genomic context (GRCh38, chr2:110,163,102, plus strand): 5'-CATTACCTTCCTCCAGAAGCTGTGAGAGCGTGGAAGGCCTGAACCCTGCAGGAATAGCTC[C>T]CATCGTAGTTAACACATCAACAGTGTTTATCTGCTGAAGACAGTAACATCAAAATGGATT-3'
Protein context (NP_001121650.1, residues 259-279): INTVDVLTTM[Gly269Arg]AIPAGFRPST